The following is an entry in ClinVar:

NM_020435.4(GJC2):c.377C>T (p.Ala126Val)

Gene: GJC2 (gap junction protein gamma 2; plus strand). Cytogenetic location: 1q42.13.
Variant type: single nucleotide variant.
Coding change: c.377C>T on transcript NM_020435.4 (MANE Select); coding-DNA position 377, C replaced by T.
Protein change: p.Ala126Val; replaces alanine 126 with valine.
Molecular consequence: missense variant.
Genome position (GRCh38, 1-based): chr1:228,158,135, C>T. VCF-style: chr1-228158135-C-T. GRCh37 (hg19) VCF-style: chr1-228345836-C-T.
Other names: c.377C>T (NM_020435.3); short protein forms A126V.
Identifiers: ClinVar variation 1256289 (VCV001256289.3), dbSNP rs2034711645, ClinGen allele CA345097609.

ClinVar aggregate classification (germline): Uncertain significance. Review status: criteria provided, multiple submitters, no conflicts (2 of 4 stars). 3 submissions from 3 submitters: Uncertain significance (3). Last evaluated 2025-07-30.

Conditions:
Inborn genetic diseases. Identifiers: MedGen C0950123, MeSH D030342.
Spastic paraplegia. Identifiers: MedGen C0037772, HP:0001258.

Allele frequency attached by ClinVar (database versions not stated): gnomAD 0.00002; TOPMed 0.00002.
gnomAD v4.1: 31 of 1,268,606 alleles (0.0024%); highest among the groups gnomAD compares: Non-Finnish European, 0.003%; no homozygotes.

Submissions (3):

Labcorp Genetics (formerly Invitae), Labcorp
Classification: Uncertain significance for Spastic paraplegia. Last evaluated: 2025-07-30. Review status: criteria provided, single submitter. Criteria: Invitae Variant Classification Sherloc (09022015). Collection method: clinical testing. Allele origin: germline.
Comment: This sequence change replaces alanine, which is neutral and non-polar, with valine, which is neutral and non-polar, at codon 126 of the GJC2 protein (p.Ala126Val). The frequency data for this variant in the population databases is considered unreliable, as metrics indicate insufficient coverage at this position in the gnomAD database. This variant has not been reported in the literature in individuals affected with GJC2-related conditions. ClinVar contains an entry for this variant (Variation ID: 1256289). Invitae Evidence Modeling of protein sequence and biophysical properties (such as structural, functional, and spatial information, amino acid conservation, physicochemical variation, residue mobility, and thermodynamic stability) indicates that this missense variant is not expected to disrupt GJC2 protein function with a negative predictive value of 95%. In summary, the available evidence is currently insufficient to determine the role of this variant in disease. Therefore, it has been classified as a Variant of Uncertain Significance.

Ambry Genetics
Classification: Uncertain significance for Inborn genetic diseases. Last evaluated: 2025-05-14. Review status: criteria provided, single submitter. Criteria: Ambry Variant Classification Scheme 2023. Collection method: clinical testing. Allele origin: germline.

Athena Diagnostics
Classification: Uncertain significance. Last evaluated: 2021-04-15. Review status: criteria provided, single submitter. Criteria: Athena Diagnostics criteria. Collection method: clinical testing. Allele origin: unknown.